The following is an entry in ClinVar:

NM_031483.7(ITCH):c.966C>G (p.Gly322=)

Gene: ITCH (itchy E3 ubiquitin protein ligase; plus strand). Cytogenetic location: 20q11.22.
Variant type: single nucleotide variant.
Coding change: c.966C>G on transcript NM_031483.7 (MANE Select); coding-DNA position 966, C replaced by G.
Protein change: p.Gly322=; no amino-acid change (glycine 322 retained).
Molecular consequence: synonymous variant.
Genome position (GRCh38, 1-based): chr20:34,445,287, C>G. VCF-style: chr20-34445287-C-G. GRCh37 (hg19) VCF-style: chr20-33033092-C-G.
Other names: c.1089C>G, p.Gly363= (NM_001257137.3, NM_001324197.2); c.636C>G, p.Gly212= (NM_001257138.3); c.966C>G, p.Gly322= (NM_001324198.2).
Identifiers: ClinVar variation 3632785 (VCV003632785.2).
Genomic context (GRCh38, chr20:34,445,287, plus strand): 5'-TATCTGTTTCACAAGTATTTGTTGAATTAGCTTGTTTTTTTTTTTTTTTTTCTGATTTAG[C>G]TGGGAACGGCGGGTTGACAACATGGGACGTATTTATTATGTTGACCATTTCACAAGAACA-3'
Protein context (NP_113671.3, residues 312-332): TWDRPEPLPP[Gly322=]WERRVDNMGR

ClinVar aggregate classification (germline): Uncertain significance (1 of 4 stars; one submission).

Conditions:
Syndromic multisystem autoimmune disease due to ITCH deficiency. Also called: AUTOIMMUNE DISEASE, MULTISYSTEM, WITH FACIAL DYSMORPHISM. Identifiers: Orphanet 228426, MedGen C3150649, MONDO:0013245, OMIM 613385.

Submission:

Labcorp Genetics (formerly Invitae), Labcorp
Classification: Uncertain significance for Syndromic multisystem autoimmune disease due to ITCH deficiency. Last evaluated: 2024-02-20. Review status: criteria provided, single submitter. Criteria: Invitae Variant Classification Sherloc (09022015). Collection method: clinical testing. Allele origin: germline.
Comment: This sequence change affects codon 322 of the ITCH mRNA. It is a 'silent' change, meaning that it does not change the encoded amino acid sequence of the ITCH protein. It affects a nucleotide within the consensus splice site. This variant is not present in population databases (gnomAD no frequency). This variant has not been reported in the literature in individuals affected with ITCH-related conditions. Algorithms developed to predict the effect of sequence changes on RNA splicing suggest that this variant is not likely to affect RNA splicing. In summary, the available evidence is currently insufficient to determine the role of this variant in disease. Therefore, it has been classified as a Variant of Uncertain Significance.